The following is an entry in ClinVar:

ClinVar aggregate classification (germline): Benign (1 of 4 stars; one submission).

Allele frequency attached by ClinVar (database versions not stated): gnomAD 0.44651; TOPMed 0.44709; 1000 Genomes Project 30x 0.50968; 1000 Genomes Project 0.51637.
gnomAD v4.1: 67,435 of 151,586 alleles (44%); highest among the groups gnomAD compares: East Asian, 70%; 15,663 homozygotes.

Submission:

Unidad de Genómica Garrahan, Hospital de Pediatría Garrahan
Classification: Benign. Last evaluated: 2024-01-24. Review status: criteria provided, single submitter. Criteria: ACMG Guidelines, 2015. Collection method: clinical testing. Allele origin: germline. Affected: no. Observed: 74 variant alleles.
Comment: This variant is classified as Benign based on local population frequency. This variant was detected in 78% of patients studied by a panel of primary immunodeficiencies. Number of patients: 74. Only high quality variants are reported.

NM_006949.4(STXBP2):c.1356+411C>G

Gene: STXBP2 (syntaxin binding protein 2; plus strand). Cytogenetic location: 19p13.2.
Variant type: single nucleotide variant.
Coding change: c.1356+411C>G on transcript NM_006949.4 (MANE Select); 411 bases into the intron after coding-DNA position 1356, C replaced by G.
Molecular consequence: intron variant.
Genome position (GRCh38, 1-based): chr19:7,645,717, C>G. VCF-style: chr19-7645717-C-G. GRCh37 (hg19) VCF-style: chr19-7710603-C-G.
Other names: c.1260+411C>G (NM_001414484.1); c.1389+411C>G (NM_001272034.2); c.1347+411C>G (NM_001127396.3).
Identifiers: ClinVar variation 2687985 (VCV002687985.2), dbSNP rs889184, ClinGen allele CA14634012.